The following is an entry in ClinVar:

NM_006118.4(HAX1):c.20T>C (p.Phe7Ser)

Gene: HAX1 (HCLS1 associated protein X-1; plus strand). Cytogenetic location: 1q21.3.
Variant type: single nucleotide variant.
Coding change: c.20T>C on transcript NM_006118.4 (MANE Select); coding-DNA position 20, T replaced by C.
Protein change: p.Phe7Ser; replaces phenylalanine 7 with serine.
Molecular consequence: missense variant.
Genome position (GRCh38, 1-based): chr1:154,272,743, T>C. VCF-style: chr1-154272743-T-C. GRCh37 (hg19) VCF-style: chr1-154245219-T-C.
Other names: c.20T>C, p.Phe7Ser (NM_001018837.2); short protein forms F7S.
Identifiers: ClinVar variation 5022594 (VCV005022594.1).

ClinVar aggregate classification (germline): Uncertain significance (1 of 4 stars; one submission).

Conditions:
Inborn genetic diseases. Identifiers: MedGen C0950123, MeSH D030342.

Submission:

Ambry Genetics
Classification: Uncertain significance for Inborn genetic diseases. Last evaluated: 2026-09-08. Review status: criteria provided, single submitter. Criteria: Ambry Variant Classification Scheme 2023. Collection method: clinical testing. Allele origin: germline.
Comment: The p.F7S variant (also known as c.20T>C), located in coding exon 1 of the HAX1 gene, results from a T to C substitution at nucleotide position 20. The phenylalanine at codon 7 is replaced by serine, an amino acid with highly dissimilar properties. This amino acid position is conserved. In addition, this alteration is predicted to be deleterious by in silico analysis. Based on the available evidence, the clinical significance of this variant remains unclear.